The following is an entry in ClinVar:

NM_004727.3(SLC24A1):c.2917A>G (p.Met973Val)

Gene: SLC24A1 (solute carrier family 24 member 1; plus strand). Cytogenetic location: 15q22.31.
Variant type: single nucleotide variant.
Coding change: c.2917A>G on transcript NM_004727.3 (MANE Select); coding-DNA position 2917, A replaced by G.
Protein change: p.Met973Val; replaces methionine 973 with valine.
Molecular consequence: missense variant.
Genome position (GRCh38, 1-based): chr15:65,652,675, A>G. VCF-style: chr15-65652675-A-G. GRCh37 (hg19) VCF-style: chr15-65945013-A-G.
Other names: c.898A>G, p.Met300Val (NM_001254740.2); c.2827A>G, p.Met943Val (NM_001301031.1); c.2863A>G, p.Met955Val (NM_001301032.1, NM_001301033.2); short protein forms M955V, M973V, M300V, M943V.
Identifiers: ClinVar variation 886523 (VCV000886523.15), dbSNP rs201810804, ClinGen allele CA7620278.

ClinVar aggregate classification (germline): Uncertain significance. Review status: criteria provided, multiple submitters, no conflicts (2 of 4 stars). 4 submissions from 4 submitters: Uncertain significance (4). Last evaluated 2025-09-01.

Conditions:
Inborn genetic diseases. Identifiers: MedGen C0950123, MeSH D030342.
Congenital stationary night blindness 1D. Also called: Night blindness, congenital stationary (complete), 1D, autosomal recessive. Identifiers: Orphanet 215, MedGen C3151193, MONDO:0013450, OMIM 613830.

Allele frequency attached by ClinVar (database versions not stated): gnomAD 0.00003 and 0.00004; TOPMed 0.00003; ExAC 0.00004; gnomAD exomes 0.00005 and 0.00006; ESP Exome Variant Server 0.00008.
gnomAD v4.1: 90 of 1,613,922 alleles (0.0056%); highest among the groups gnomAD compares: Non-Finnish European, 0.0068%; 1 homozygote.

Submissions (4):

Ambry Genetics
Classification: Uncertain significance for Inborn genetic diseases. Last evaluated: 2025-09-01. Review status: criteria provided, single submitter. Criteria: Ambry Variant Classification Scheme 2023. Collection method: clinical testing. Allele origin: germline.

Labcorp Genetics (formerly Invitae), Labcorp
Classification: Uncertain significance. Last evaluated: 2025-01-13. Review status: criteria provided, single submitter. Criteria: Invitae Variant Classification Sherloc (09022015). Collection method: clinical testing. Allele origin: germline.
Comment: This sequence change replaces methionine, which is neutral and non-polar, with valine, which is neutral and non-polar, at codon 973 of the SLC24A1 protein (p.Met973Val). This variant is present in population databases (rs201810804, gnomAD 0.009%). This variant has not been reported in the literature in individuals affected with SLC24A1-related conditions. ClinVar contains an entry for this variant (Variation ID: 886523). An algorithm developed to predict the effect of missense changes on protein structure and function (PolyPhen-2) suggests that this variant is likely to be disruptive. In summary, the available evidence is currently insufficient to determine the role of this variant in disease. Therefore, it has been classified as a Variant of Uncertain Significance.

Blueprint Genetics
Classification: Uncertain significance. Last evaluated: 2024-05-21. Review status: criteria provided, single submitter. Criteria: ACMG Guidelines, 2015. Collection method: clinical testing. Allele origin: germline.

Illumina Laboratory Services, Illumina
Classification: Uncertain significance for Congenital stationary night blindness 1D. Last evaluated: 2018-01-12. Review status: criteria provided, single submitter. Criteria: ICSL Variant Classification Criteria 13 December 2019. Collection method: clinical testing. Allele origin: germline.